The following is an entry in ClinVar:

ClinVar aggregate classification (germline): Uncertain significance. Review status: criteria provided, multiple submitters, no conflicts (2 of 4 stars). 2 submissions from 2 submitters: Uncertain significance (2). Last evaluated 2022-05-04.

Conditions:
Xeroderma pigmentosum, group D (XPD). Also called: ERCC2-Related Xeroderma Pigmentosum; XERODERMA PIGMENTOSUM, COMPLEMENTATION GROUP D; XERODERMA PIGMENTOSUM IV; XP, GROUP D; XP, GROUP H. Identifiers: MedGen C0268138, MONDO:0010212, OMIM 278730.

Allele frequency attached by ClinVar (database versions not stated): TOPMed 0.00005; ESP Exome Variant Server 0.00008.
gnomAD v4.1: 132 of 1,614,034 alleles (0.0082%); highest among the groups gnomAD compares: Non-Finnish European, 0.011%; no homozygotes.

Submissions (2):

Labcorp Genetics (formerly Invitae), Labcorp
Classification: Uncertain significance. Last evaluated: 2022-05-04. Review status: criteria provided, single submitter. Criteria: Invitae Variant Classification Sherloc (09022015). Collection method: clinical testing. Allele origin: germline.
Comment: This sequence change replaces proline, which is neutral and non-polar, with leucine, which is neutral and non-polar, at codon 103 of the ERCC2 protein (p.Pro103Leu). This variant is present in population databases (rs142462393, gnomAD 0.009%). This variant has not been reported in the literature in individuals affected with ERCC2-related conditions. ClinVar contains an entry for this variant (Variation ID: 329528). Algorithms developed to predict the effect of missense changes on protein structure and function (SIFT, PolyPhen-2, Align-GVGD) all suggest that this variant is likely to be tolerated. In summary, the available evidence is currently insufficient to determine the role of this variant in disease. Therefore, it has been classified as a Variant of Uncertain Significance.

Illumina Laboratory Services, Illumina
Classification: Uncertain significance for Xeroderma pigmentosum, group D. Last evaluated: 2018-01-12. Review status: criteria provided, single submitter. Criteria: ICSL Variant Classification Criteria 13 December 2019. Collection method: clinical testing. Allele origin: germline.

NM_000400.4(ERCC2):c.308C>T (p.Pro103Leu)

Gene: ERCC2 (ERCC excision repair 2, TFIIH core complex helicase subunit; minus strand). Cytogenetic location: 19q13.32.
Variant type: single nucleotide variant.
Coding change: c.308C>T on transcript NM_000400.4 (MANE Select); coding-DNA position 308, C replaced by T.
Protein change: p.Pro103Leu; replaces proline 103 with leucine.
Molecular consequence: missense variant.
Genome position (GRCh38, 1-based): chr19:45,368,682, G>A on the plus strand (C>T on the coding strand, the complement: ERCC2 is on the minus strand). VCF-style: chr19-45368682-G-A. GRCh37 (hg19) VCF-style: chr19-45871940-G-A.
Other names: c.236C>T, p.Pro79Leu (NM_001130867.2); short protein forms P103L, P79L.
Identifiers: ClinVar variation 329528 (VCV000329528.6), dbSNP rs142462393, ClinGen allele CA9513832.